The following is an entry in ClinVar:

NM_000264.5(PTCH1):c.1001A>G (p.Tyr334Cys)

Gene: PTCH1 (patched 1; minus strand). Cytogenetic location: 9q22.32.
Variant type: single nucleotide variant.
Coding change: c.1001A>G on transcript NM_000264.5 (MANE Select); coding-DNA position 1001, A replaced by G.
Protein change: p.Tyr334Cys; replaces tyrosine 334 with cysteine.
Molecular consequence: missense variant. On other transcripts: non-coding transcript variant (1).
Genome position (GRCh38, 1-based): chr9:95,480,035, T>C on the plus strand (A>G on the coding strand, the complement: PTCH1 is on the minus strand). VCF-style: chr9-95480035-T-C. GRCh37 (hg19) VCF-style: chr9-98242317-T-C.
Other names: c.803A>G, p.Tyr268Cys (NM_001083602.3); c.998A>G, p.Tyr333Cys (NM_001083603.3); c.548A>G, p.Tyr183Cys (NM_001083604.3, NM_001083605.3, NM_001083606.3 and 1 more transcripts); c.1001A>G, p.Tyr334Cys (NM_001354918.2); short protein forms Y183C, Y268C, Y333C, Y334C.
Identifiers: ClinVar variation 1493735 (VCV001493735.12), dbSNP rs1841406856, ClinGen allele CA374119701.
Genomic context (GRCh38, chr9:95,480,035, plus strand): 5'-AGTTTTCCAGTGCTGTTCTTGACTGTGCCACCCACAATCAACTCCTCCTGCCAGTGCATA[T>C]ACTTTCTGGATAAGCCATGACATCCACCATTCAAAACAAGGGCCATATCAAGAGGCTAAA-3'
Protein context (NP_000255.2, residues 324-344): NGGCHGLSRK[Tyr334Cys]MHWQEELIVG

ClinVar aggregate classification (germline): Uncertain significance. Review status: criteria provided, multiple submitters, no conflicts (2 of 4 stars). 3 submissions from 3 submitters: Uncertain significance (3). Last evaluated 2025-08-05.

Conditions:
Hereditary cancer-predisposing syndrome. Also called: Neoplastic Syndromes, Hereditary; Tumor predisposition; Hereditary neoplastic syndrome; Hereditary Cancer Syndrome. Identifiers: Orphanet 140162, MedGen C0027672, MeSH D009386, MONDO:0015356.
Gorlin syndrome. Also called: Nevoid Basal Cell Carcinoma Syndrome; Basal cell nevus syndrome. Identifiers: Orphanet 377, MedGen C0004779, MONDO:0007187.

Allele frequency attached by ClinVar (database versions not stated): TOPMed below 0.00001; gnomAD 0.00001.
gnomAD v4.1: 1 of 1,613,954 alleles (0.000062%); highest among the groups gnomAD compares: Non-Finnish European, 0.000085%; no homozygotes.

Submissions (3):

Ambry Genetics
Classification: Uncertain significance for Hereditary cancer-predisposing syndrome. Last evaluated: 2025-08-05. Review status: criteria provided, single submitter. Criteria: Ambry Variant Classification Scheme 2023. Collection method: clinical testing. Allele origin: germline.
Comment: The p.Y334C variant (also known as c.1001A>G), located in coding exon 7 of the PTCH1 gene, results from an A to G substitution at nucleotide position 1001. The tyrosine at codon 334 is replaced by cysteine, an amino acid with highly dissimilar properties. This amino acid position is conserved. In addition, this alteration is predicted to be deleterious by in silico analysis. Since supporting evidence is limited at this time, the clinical significance of this alteration remains unclear.

Center for Genomic Medicine, Rigshospitalet, Copenhagen University Hospital
Classification: Uncertain significance. Last evaluated: 2025-03-04. Review status: criteria provided, single submitter. Criteria: ACMG Guidelines, 2015. Collection method: clinical testing. Allele origin: germline.

Labcorp Genetics (formerly Invitae), Labcorp
Classification: Uncertain significance for Gorlin syndrome. Last evaluated: 2024-01-30. Review status: criteria provided, single submitter. Criteria: Invitae Variant Classification Sherloc (09022015). Collection method: clinical testing. Allele origin: germline.
Comment: This sequence change replaces tyrosine, which is neutral and polar, with cysteine, which is neutral and slightly polar, at codon 334 of the PTCH1 protein (p.Tyr334Cys). This variant is not present in population databases (gnomAD no frequency). This variant has not been reported in the literature in individuals affected with PTCH1-related conditions. ClinVar contains an entry for this variant (Variation ID: 1493735). Advanced modeling of protein sequence and biophysical properties (such as structural, functional, and spatial information, amino acid conservation, physicochemical variation, residue mobility, and thermodynamic stability) has been performed at Invitae for this missense variant, however the output from this modeling did not meet the statistical confidence thresholds required to predict the impact of this variant on PTCH1 protein function. In summary, the available evidence is currently insufficient to determine the role of this variant in disease. Therefore, it has been classified as a Variant of Uncertain Significance.